The following is an entry in ClinVar:

ClinVar aggregate classification (germline): Uncertain significance (1 of 4 stars; one submission).

Conditions:
Inborn genetic diseases. Identifiers: MedGen C0950123, MeSH D030342.

Submission:

Ambry Genetics
Classification: Uncertain significance for Inborn genetic diseases. Last evaluated: 2024-12-09. Review status: criteria provided, single submitter. Criteria: Ambry Variant Classification Scheme 2023. Collection method: clinical testing. Allele origin: germline.
Comment: The p.K616R variant (also known as c.1847A>G), located in coding exon 18 of the ANKRD26 gene, results from an A to G substitution at nucleotide position 1847. The lysine at codon 616 is replaced by arginine, an amino acid with highly similar properties. This amino acid position is conserved. In addition, this alteration is predicted to be tolerated by in silico analysis. Based on the available evidence, the clinical significance of this variant remains unclear.

NM_014915.3(ANKRD26):c.1847A>G (p.Lys616Arg)

Gene: ANKRD26 (ankyrin repeat domain containing 26; minus strand). Cytogenetic location: 10p12.1.
Variant type: single nucleotide variant.
Coding change: c.1847A>G on transcript NM_014915.3 (MANE Select); coding-DNA position 1847, A replaced by G.
Protein change: p.Lys616Arg; replaces lysine 616 with arginine.
Molecular consequence: missense variant.
Genome position (GRCh38, 1-based): chr10:27,046,491, T>C on the plus strand (A>G on the coding strand, the complement: ANKRD26 is on the minus strand). VCF-style: chr10-27046491-T-C. GRCh37 (hg19) VCF-style: chr10-27335420-T-C.
Other names: c.1844A>G, p.Lys615Arg (NM_001256053.2); short protein forms K616R, K615R.
Identifiers: ClinVar variation 3396329 (VCV003396329.1).